The following is an entry in ClinVar:

ClinVar aggregate classification (germline): Likely pathogenic. Review status: criteria provided, multiple submitters, no conflicts (2 of 4 stars). 2 submissions from 2 submitters: Likely pathogenic (2). Last evaluated 2026-02-13.

Conditions:
Spondyloepiphyseal dysplasia tarda, X-linked. Also called: SED TARDA, X-LINKED. Identifiers: MedGen C3541456, MONDO:0010737, OMIM 313400.

Submissions (2):

Department of Laboratory Medicine, Pusan National University Hospital, College of Medicine, Pusan National University
Classification: Likely pathogenic for Spondyloepiphyseal dysplasia tarda, X-linked. Last evaluated: 2026-02-13. Review status: criteria provided, single submitter. Criteria: ACMG Guidelines, 2015. Collection method: clinical testing. Allele origin: germline. Inheritance: X-linked recessive inheritance. Affected: yes. Observed: 1 hemizygote.
Comment: The variant was classified as Likely Pathogenic based on the following ACMG/AMP criteria: PM2_Moderate (absent from gnomAD v4.1.0), PP3_Supporting (SpliceAI score 0.31, predicting splicing alteration), PP1_Moderate to Strong (co-segregation with disease across three generations in an X-linked pedigree), and PP4_Supporting (phenotype highly consistent with X-linked spondyloepiphyseal dysplasia tarda, OMIM 313400).

Department of Pediatrics, Pusan National University Hospital
Classification: Likely pathogenic for Spondyloepiphyseal dysplasia tarda, X-linked. Last evaluated: 2025-04-15. Review status: criteria provided, single submitter. Criteria: ACMG Guidelines, 2015. Collection method: clinical testing. Allele origin: germline. Inheritance: X-linked recessive inheritance. Affected: yes and no. Observed: 8 variant alleles, 3 heterozygotes, 5 hemizygotes. Clinical features observed: Short stature (HP:0004322), Skeletal dysplasia (HP:0002652), Thoracic kyphosis (HP:0002942), Barrel-shaped chest (HP:0001552), Platyspondyly (HP:0000926).
Comment: The variant is absent from population databases, including gnomAD, fulfilling ACMG criterion PM2. In silico splicing analysis using SpliceAI (score: 0.31) predicts a potential impact on normal splicing, supporting ACMG criterion PP3. Based on the combined evidence (PM2, PP3, PP1), the variant was classified as Likely Pathogenic according to ACMG/AMP guidelines.

NM_001011658.4(TRAPPC2):c.239-20_239-12delinsAATGAA

Genes: OFD1 (OFD1 centriole and centriolar satellite protein; plus strand), TRAPPC2 (trafficking protein particle complex subunit 2; minus strand). Cytogenetic location: Xp22.2.
Variant type: Indel.
Coding change: c.239-20_239-12delinsAATGAA on transcript NM_001011658.4 (MANE Select); 20 bases into the intron before coding-DNA position 239 through 12 bases into the intron before coding-DNA position 239, TTATGCCTT replaced by AATGAA.
Molecular consequence: intron variant.
Genome position (GRCh38, 1-based): chrX:13,716,101-13,716,109, AAGGCATAA replaced by TTCATT on the plus strand (TTATGCCTT replaced by AATGAA on the coding strand, the reverse complement: TRAPPC2 is on the minus strand). VCF-style: chrX-13716101-AAGGCATAA-TTCATT. GRCh37 (hg19) VCF-style: chrX-13734220-AAGGCATAA-TTCATT.
Other names: c.239-20_239-12delinsAATGAA (NM_014563.6); c.341-20_341-12delinsAATGAA (NM_001128835.3).
Identifiers: ClinVar variation 4795848 (VCV004795848.1).